The following is an entry in ClinVar:

ClinVar aggregate classification (germline): Uncertain significance (1 of 4 stars; one submission).

Conditions:
Autosomal recessive nonsyndromic hearing loss 16. Also called: DFNB16 Nonsyndromic Hearing Loss and Deafness; DEAFNESS, AUTOSOMAL RECESSIVE 16. Identifiers: Orphanet 90636, MedGen C1863561, MONDO:0011364, OMIM 603720.

Submission:

Victorian Clinical Genetics Services, Murdoch Childrens Research Institute
Classification: Uncertain significance for Autosomal recessive nonsyndromic hearing loss 16. Last evaluated: 2024-09-21. Review status: criteria provided, single submitter. Criteria: ACMG Guidelines, 2015. Collection method: clinical testing. Allele origin: germline. Inheritance: Autosomal recessive inheritance. Affected: yes.
Comment: Based on the classification scheme VCGS_Germline_v1.3.4, this variant is classified as VUS-3A. Following criteria are met: 0102 - Loss of function is a known mechanism of disease in this gene and is associated with Deafness, autosomal recessive 16 (MIM#603720). (I) 0106 - This gene is associated with autosomal recessive disease. (I) 0200 - Variant is predicted to result in a missense amino acid change from alanine to threonine. (I) 0253 - This variant is hemizygous. (I) 0301 - Variant is absent from gnomAD. (SP) 0502 - Missense variant with conflicting in silico predictions and uninformative conservation. (I) 0600 - Variant is located in the annotated Stereocilin domain (DECIPHER). (I) 0705 - No comparable missense variants have previous evidence for pathogenicity. (I) 0807 - This variant has no previous evidence of pathogenicity. (I) 0905 - No published segregation evidence has been identified for this variant. (I) 1007 - No published functional evidence has been identified for this variant. (I) 1201 - Heterozygous variant inferred to be in trans with a pathogenic heterozygous deletion in a recessive disease. (I) 1208 - Inheritance information for this variant is not currently available in this individual. (I) Legend: (SP) - Supporting pathogenic, (I) - Information, (SB) - Supporting benign

NM_153700.2(STRC):c.2539G>A (p.Ala847Thr)

Gene: STRC (stereocilin; minus strand). Cytogenetic location: 15q15.3.
Variant type: single nucleotide variant.
Coding change: c.2539G>A on transcript NM_153700.2 (MANE Select); coding-DNA position 2539, G replaced by A.
Protein change: p.Ala847Thr; replaces alanine 847 with threonine.
Molecular consequence: missense variant.
Genome position (GRCh38, 1-based): chr15:43,613,173, C>T on the plus strand (G>A on the coding strand, the complement: STRC is on the minus strand). VCF-style: chr15-43613173-C-T. GRCh37 (hg19) VCF-style: chr15-43905371-C-T.
Other names: short protein forms A847T.
Identifiers: ClinVar variation 3255070 (VCV003255070.2), dbSNP rs2085750238.
Genomic context (GRCh38, chr15:43,613,173, plus strand): 5'-GCAGCTCCTGGGGCCAGGCAGGCACTTCCCCAAACAGTTCAGGGGCCAGCAGTCGCTTTG[C>T]CAGAGCCTCCTTCTGTTCAGGCCTCATTCCTGGGCTGTAATCCCGGATGGCAGCCAGGCT-3'
Protein context (NP_714544.1, residues 837-857): GMRPEQKEAL[Ala847Thr]KRLLAPELFG